The following is an entry in ClinVar:

ClinVar aggregate classification (germline): Likely benign (0 of 4 stars; one submission).

Conditions:
SPTBN5-related disorder. Also called: SPTBN5-related condition.

Allele frequency attached by ClinVar (database versions not stated): gnomAD 0.00100; ExAC 0.00114; gnomAD exomes 0.00120; ESP Exome Variant Server 0.00009; 1000 Genomes Project 0.00060; 1000 Genomes Project 30x 0.00062; TOPMed 0.00097.
gnomAD v4.1: 1,832 of 1,551,828 alleles (0.12%); highest among the groups gnomAD compares: Admixed American, 0.16%; 1 homozygote.

Submission:

PreventionGenetics, part of Exact Sciences
Classification: Likely benign for SPTBN5-related condition. Last evaluated: 2019-09-06. Review status: no assertion criteria provided. Collection method: clinical testing. Allele origin: germline.
Comment: This variant is classified as likely benign based on ACMG/AMP sequence variant interpretation guidelines (Richards et al. 2015 PMID: 25741868, with internal and published modifications).

NM_016642.4(SPTBN5):c.6387G>A (p.Gln2129=)

Gene: SPTBN5 (spectrin beta, non-erythrocytic 5; minus strand). Cytogenetic location: 15q15.1.
Variant type: single nucleotide variant.
Coding change: c.6387G>A on transcript NM_016642.4 (MANE Select); coding-DNA position 6387, G replaced by A.
Protein change: p.Gln2129=; no amino-acid change (glutamine 2129 retained).
Molecular consequence: synonymous variant.
Genome position (GRCh38, 1-based): chr15:41,867,052, C>T on the plus strand (G>A on the coding strand, the complement: SPTBN5 is on the minus strand). VCF-style: chr15-41867052-C-T. GRCh37 (hg19) VCF-style: chr15-42159250-C-T.
Identifiers: ClinVar variation 3043630 (VCV003043630.2), dbSNP rs61739719, ClinGen allele CA7502618.